The following is an entry in ClinVar:

NM_001009944.3(PKD1):c.7164C>G (p.Tyr2388Ter)

Gene: PKD1 (polycystin 1, transient receptor potential channel interacting; minus strand). Cytogenetic location: 16p13.3.
Variant type: single nucleotide variant.
Coding change: c.7164C>G on transcript NM_001009944.3 (MANE Select); coding-DNA position 7164, C replaced by G.
Protein change: p.Tyr2388Ter; replaces tyrosine 2388 with a stop codon.
Molecular consequence: nonsense.
Genome position (GRCh38, 1-based): chr16:2,106,850, G>C on the plus strand (C>G on the coding strand, the complement: PKD1 is on the minus strand). VCF-style: chr16-2106850-G-C. GRCh37 (hg19) VCF-style: chr16-2156851-G-C.
Other names: c.7164C>G (NM_001009944.2); c.7164C>G, p.Tyr2388Ter (NM_000296.4); short protein forms Y2388*.
Identifiers: ClinVar variation 448000 (VCV000448000.2), dbSNP rs1555453372, ClinGen allele CA394371695.

ClinVar aggregate classification (germline): Pathogenic. Review status: criteria provided, multiple submitters, no conflicts (2 of 4 stars). 2 submissions from 2 submitters: Pathogenic (2). Last evaluated 2024-12-27.

Conditions:
PKD1-related disorder. Also called: PKD1-related condition.

Submissions (2):

PreventionGenetics, part of Exact Sciences
Classification: Pathogenic for PKD1-related condition. Last evaluated: 2024-12-27. Review status: criteria provided, single submitter. Criteria: ACMG Guidelines, 2015. Collection method: clinical testing. Allele origin: germline.
Comment: The PKD1 c.7164C>G variant is predicted to result in premature protein termination (p.Tyr2388*). This variant has been reported in individuals with polycystic kidney disease (Table S4, Kinoshita et al. 2016. PubMed ID: 27835667; Table S6A, Kim et al. 2019. PubMed ID: 31740684). This variant has not been reported in a large population database (gnomAD), indicating this variant is rare. Nonsense variants in PKD1 are expected to be pathogenic. This variant is interpreted as pathogenic.

Athena Diagnostics
Classification: Pathogenic. Last evaluated: 2017-01-17. Review status: criteria provided, single submitter. Criteria: Athena Diagnostics Criteria. Collection method: clinical testing. Allele origin: germline.

Literature cited by the submitters: PubMed 27835667 (cited by Athena Diagnostics).